The following is an entry in ClinVar:

NM_000095.3(COMP):c.1435G>C (p.Asp479His)

Gene: COMP (cartilage oligomeric matrix protein; minus strand). Cytogenetic location: 19p13.11.
Variant type: single nucleotide variant.
Coding change: c.1435G>C on transcript NM_000095.3 (MANE Select); coding-DNA position 1435, G replaced by C.
Protein change: p.Asp479His; replaces aspartic acid 479 with histidine.
Molecular consequence: missense variant.
Genome position (GRCh38, 1-based): chr19:18,786,019, C>G on the plus strand (G>C on the coding strand, the complement: COMP is on the minus strand). VCF-style: chr19-18786019-C-G. GRCh37 (hg19) VCF-style: chr19-18896829-C-G.
Other names: short protein forms D479H.
Identifiers: ClinVar variation 1058021 (VCV001058021.9), dbSNP rs2145900800, ClinGen allele CA404884385.

ClinVar aggregate classification (germline): Likely pathogenic (1 of 4 stars; one submission).

Submission:

Labcorp Genetics (formerly Invitae), Labcorp
Classification: Likely pathogenic. Last evaluated: 2024-02-23. Review status: criteria provided, single submitter. Criteria: Invitae Variant Classification Sherloc (09022015). Collection method: clinical testing. Allele origin: germline.
Comment: This sequence change replaces aspartic acid, which is acidic and polar, with histidine, which is basic and polar, at codon 479 of the COMP protein (p.Asp479His). This variant is not present in population databases (gnomAD no frequency). This missense change has been observed in individual(s) with clinical features of multiple epiphyseal dysplasia (PMID: 15756302; Invitae). ClinVar contains an entry for this variant (Variation ID: 1058021). Advanced modeling of protein sequence and biophysical properties (such as structural, functional, and spatial information, amino acid conservation, physicochemical variation, residue mobility, and thermodynamic stability) performed at Invitae indicates that this missense variant is expected to disrupt COMP protein function with a positive predictive value of 80%. This variant disrupts the p.Asp479 amino acid residue in COMP. Other variant(s) that disrupt this residue have been observed in individuals with COMP-related conditions (PMID: 15756302), which suggests that this may be a clinically significant amino acid residue. In summary, the currently available evidence indicates that the variant is pathogenic, but additional data are needed to prove that conclusively. Therefore, this variant has been classified as Likely Pathogenic.

Literature cited by the submitters: PubMed 15756302.